The following is an entry in ClinVar:

ClinVar aggregate classification (germline): Pathogenic/Likely pathogenic. Review status: criteria provided, multiple submitters, no conflicts (2 of 4 stars). 23 submissions from 22 submitters: Pathogenic (18); Likely pathogenic (1). 4 of the submissions do not count toward it. Last evaluated 2026-01-29.

Conditions:
Developmental and epileptic encephalopathy, 42 (DEE42A). Also called: DEVELOPMENTAL AND EPILEPTIC ENCEPHALOPATHY 42A; EPILEPTIC ENCEPHALOPATHY, EARLY INFANTILE, 42A; Epileptic encephalopathy, early infantile, 42. Identifiers: MedGen C4310716, MONDO:0014917, OMIM 617106.
Spinocerebellar ataxia type 6 (SCA6). Identifiers: Orphanet 98758, MedGen C0752124, MONDO:0008457, OMIM 183086.
Episodic ataxia type 2 (EA2). Also called: ACETAZOLAMIDE-RESPONSIVE HEREDITARY PAROXYSMAL CEREBELLAR ATAXIA; ATAXIA, EPISODIC, WITH NYSTAGMUS; ATAXIA, FAMILIAL PAROXYSMAL; CEREBELLAR ATAXIA, PAROXYSMAL, ACETAZOLAMIDE-RESPONSIVE; CEREBELLOPATHY, HEREDITARY PAROXYSMAL; EPISODIC ATAXIA, NYSTAGMUS-ASSOCIATED. Identifiers: Orphanet 97, MedGen C1720416, MONDO:0007163, OMIM 108500.
Inborn genetic diseases. Identifiers: MedGen C0950123, MeSH D030342.
Developmental and epileptic encephalopathy, 52 (DEE52). Also called: Epileptic encephalopathy, early infantile, 52. Identifiers: MedGen C4479236, MONDO:0033361, OMIM 617350.
Migraine, familial hemiplegic, 1. Also called: MIGRAINE, FAMILIAL HEMIPLEGIC 1, WITH PROGRESSIVE CEREBELLAR ATAXIA. Identifiers: Orphanet 569, MedGen C1832884, MONDO:0020756, OMIM 141500, MONDO:0007714.
CACNA1A-related disorder. Also called: CACNA1A-related condition.

Submissions 1 to 12 of 23:

3billion
Classification: Pathogenic for Developmental and epileptic encephalopathy, 42. Last evaluated: 2026-01-29. Review status: criteria provided, single submitter. Criteria: ACMG Guidelines, 2015. Collection method: clinical testing. Allele origin: germline. Affected: yes.
Comment: The variant is not observed in the gnomAD v4.1.0 dataset. Predicted Consequence/Location: The variant is located in a mutational hot spot and/or well-established functional domain in which established pathogenic variants have been reported. In silico tool predictions suggest damaging effect of the variant on gene or gene product [REVEL: 0.99 (>=0.6, sensitivity 0.68 and specificity 0.92); 3Cnet: 0.99 (> 0.75, sensitivity 0.96 and precision 0.92)]. The same nucleotide change resulting in the same amino acid change has been previously reported as pathogenic/likely pathogenic with strong evidence (ClinVar ID: VCV000380972 /PMID: 20097664). Different missense changes at the same codon (p.Arg1348Gly, p.Arg1348Pro, p.Arg1348Trp) have been reported as pathogenic/likely pathogenic with strong evidence (ClinVar ID: VCV000421023, VCV001335952 /PMID: 39533303). Therefore, this variant is classified as Pathogenic according to the recommendation of ACMG/AMP guideline.

Institute of Human Genetics, University of Leipzig Medical Center
Classification: Pathogenic for Developmental and epileptic encephalopathy, 42. Last evaluated: 2025-02-20. Review status: criteria provided, single submitter. Criteria: ACMG Guidelines, 2015. Collection method: clinical testing. Allele origin: unknown. Inheritance: Autosomal dominant inheritance. Affected: yes.
Comment: Criteria applied: PS2_VSTR,PS4,PM2,PP2,PP3

Women's Health and Genetics/Laboratory Corporation of America, LabCorp
Classification: Pathogenic for Developmental and epileptic encephalopathy, 42. Last evaluated: 2024-11-27. Review status: criteria provided, single submitter. Criteria: LabCorp Variant Classification Summary - May 2015. Collection method: clinical testing. Allele origin: germline.
Comment: Variant summary: CACNA1A c.4046G>A (p.Arg1349Gln) results in a conservative amino acid change in the encoded protein sequence. Four of five in-silico tools predict a damaging effect of the variant on protein function. The variant was absent in 248992 control chromosomes. c.4046G>A has been reported in the literature in multiple individuals affected with CACNA1A-related conditions and were reported as de novo (example: Mercimek-Mahmutoglu_2015, Blumkin_2015, LeRoux_2021, Moreno-DeLuca_2021). These data indicate that the variant is likely to be associated with disease. The following publications have been ascertained in the context of this evaluation (PMID: 25758715, 34102571, 33528536, 20097664). ClinVar contains an entry for this variant (Variation ID: 380972). Based on the evidence outlined above, the variant was classified as pathogenic.

Athena Diagnostics
Classification: Pathogenic. Last evaluated: 2024-10-09. Review status: criteria provided, single submitter. Criteria: Athena Diagnostics Criteria. Collection method: clinical testing. Allele origin: unknown.
Comment: This variant has not been reported in large, multi-ethnic general populations. In some published literature, this variant is referred to as c.4055G>A (p.R1352Q). In mouse models this variant is equivalent to p.R1252Q. This variant appears to occur de novo in multiple individuals with clinical features associated with a CACNA1A-related disorder. Computational tools yielded predictions that this variant may result in the gain of a cryptic splice site without affecting the natural splice sites. Assessment of experimental evidence suggests this variant results in abnormal protein function. (PMID: 18597946) The variant is located in a region that is considered important for protein function and/or structure.

Labcorp Genetics (formerly Invitae), Labcorp
Classification: Pathogenic for Developmental and epileptic encephalopathy, 42; Episodic ataxia type 2. Last evaluated: 2024-09-15. Review status: criteria provided, single submitter. Criteria: Invitae Variant Classification Sherloc (09022015). Collection method: clinical testing. Allele origin: germline.
Comment: This sequence change replaces arginine, which is basic and polar, with glutamine, which is neutral and polar, at codon 1349 of the CACNA1A protein (p.Arg1349Gln). This variant is not present in population databases (gnomAD no frequency). This missense change has been observed in individual(s) with CACNA1A-related conditions (PMID: 20097664, 21183743, 23831250, 26814174, 28007337, 31139143). In at least one individual the variant was observed to be de novo. This variant is also known as p.Arg1350Gln, p.R1352Q. ClinVar contains an entry for this variant (Variation ID: 380972). Invitae Evidence Modeling of protein sequence and biophysical properties (such as structural, functional, and spatial information, amino acid conservation, physicochemical variation, residue mobility, and thermodynamic stability) indicates that this missense variant is expected to disrupt CACNA1A protein function with a positive predictive value of 95%. For these reasons, this variant has been classified as Pathogenic.

Blueprint Genetics
Classification: Pathogenic for CACNA1A-related disorders. Last evaluated: 2024-03-18. Review status: criteria provided, single submitter. Criteria: ACMG Guidelines, 2015. Collection method: clinical testing. Allele origin: germline. Affected: yes. Observed: 2 variant alleles.

Baylor Genetics
Classification: Pathogenic for Episodic ataxia type 2. Last evaluated: 2023-04-19. Review status: criteria provided, single submitter. Criteria: ACMG Guidelines, 2015. Collection method: clinical testing. Allele origin: unknown.

CeGaT Center for Human Genetics Tuebingen
Classification: Pathogenic. Last evaluated: 2023-04-01. Review status: criteria provided, single submitter. Criteria: CeGaT Center For Human Genetics Tuebingen Variant Classification Criteria Version 2. Collection method: clinical testing. Allele origin: germline. Affected: yes. Observed: 1 variant allele.
Comment: CACNA1A: PS2:Very Strong, PM2, PP2, PP3

Baylor Genetics
Classification: Pathogenic for Developmental and epileptic encephalopathy, 42. Last evaluated: 2022-09-02. Review status: criteria provided, single submitter. Criteria: ACMG Guidelines, 2015. Collection method: clinical testing. Allele origin: unknown.

Revvity Omics, Revvity
Classification: Pathogenic. Last evaluated: 2022-07-26. Review status: criteria provided, single submitter. Criteria: ACMG Guidelines, 2015. Collection method: clinical testing. Allele origin: germline.

Wendy Chung Laboratory, Boston Children's Hospital
Classification: Pathogenic for Developmental and epileptic encephalopathy, 52; Episodic ataxia type 2; Migraine, familial hemiplegic, 1; Spinocerebellar ataxia type 6. Last evaluated: 2022-03-20. Review status: criteria provided, single submitter. Criteria: ACMG Guidelines, 2015. Collection method: clinical testing. Allele origin: de novo. Affected: yes.

GeneDx
Classification: Pathogenic. Last evaluated: 2021-10-27. Review status: criteria provided, single submitter. Criteria: GeneDx Variant Classification Process June 2021. Collection method: clinical testing. Allele origin: germline. Affected: yes.
Comment: Published functional studies in the Tg5J mouse model, which harbors an equivalent variant, demonstrated a shift in both voltage activation and inactivation to lower voltage, suggesting that the Arg1349 residue is critical for sensing Ca(v)2.1 voltage changes (Miki et al., 2008; Knierim et al., 2011); In silico analysis, which includes protein predictors and evolutionary conservation, supports a deleterious effect; Not observed in large population cohorts (Lek et al., 2016); This variant is associated with the following publications: (PMID: 26814174, 28007337, 25596066, 21183743, 18597946, 23831250, 20097664, 28717674, 19811514, 30063100, 31139143, 32860008, 31785789)

NM_001127222.2(CACNA1A):c.4043G>A (p.Arg1348Gln)

Gene: CACNA1A (calcium voltage-gated channel subunit alpha1 A; minus strand). Cytogenetic location: 19p13.13.
Variant type: single nucleotide variant.
Coding change: c.4043G>A on transcript NM_001127222.2 (MANE Select); coding-DNA position 4043, G replaced by A.
Protein change: p.Arg1348Gln; replaces arginine 1348 with glutamine.
Molecular consequence: missense variant.
Genome position (GRCh38, 1-based): chr19:13,262,780, C>T on the plus strand (G>A on the coding strand, the complement: CACNA1A is on the minus strand). VCF-style: chr19-13262780-C-T. GRCh37 (hg19) VCF-style: chr19-13373594-C-T.
Other names: p.R1349Q; c.4055G>A, p.Arg1352Gln (NM_000068.4, NM_023035.3); c.4046G>A, p.Arg1349Gln (NM_001127221.2, NM_001174080.2); short protein forms R1349Q, R1352Q, R1348Q.
Identifiers: ClinVar variation 380972 (VCV000380972.66), dbSNP rs1057520918, ClinGen allele CA16607714.
Genomic context (GRCh38, chr19:13,262,780, plus strand): 5'-TCTCCCAATCTCACCTTGAGCTTTGGCAGCCGCTTGATGGTTTTAAGAGGTCGTAGCACC[C>T]GGAGGACTCGGAGGGATTTAATCGTGTTGATGTCTTTTCCTTTGCTATTGCCACTGTGGA-3'
Protein context (NP_001120694.1, residues 1338-1358): INTIKSLRVL[Arg1348Gln]VLRPLKTIKR